The following is an entry in ClinVar:

ClinVar aggregate classification (germline): Pathogenic/Likely pathogenic. Review status: criteria provided, multiple submitters, no conflicts (2 of 4 stars). 2 submissions from 2 submitters: Pathogenic (1); Likely pathogenic (1). Last evaluated 2025-12-03.

Conditions:
Zellweger spectrum disorders (ZS). Also called: Zellweger syndrome; Zellweger Spectrum Disorder; Zellweger Spectrum; Zellweger Spectrum Disorder (ZSD). Identifiers: Orphanet 912, MedGen C0043459, MONDO:0019609.
Peroxisome biogenesis disorder 2B (PBD2B). Identifiers: Orphanet 44, MedGen C3550234, MONDO:0008736, OMIM 202370.

Allele frequency attached by ClinVar (database versions not stated): gnomAD exomes below 0.00001; ExAC 0.00002.
gnomAD v4.1: 4 of 1,613,656 alleles (0.00025%); highest among the groups gnomAD compares: Non-Finnish European, 0.00034%; no homozygotes.

Submissions (2):

Labcorp Genetics (formerly Invitae), Labcorp
Classification: Pathogenic for Peroxisome biogenesis disorder 2B. Last evaluated: 2025-12-03. Review status: criteria provided, single submitter. Criteria: Invitae Variant Classification Sherloc (09022015). Collection method: clinical testing. Allele origin: germline.
Comment: This sequence change creates a premature translational stop signal (p.Arg276*) in the PEX5 gene. It is expected to result in an absent or disrupted protein product. Loss-of-function variants in PEX5 are known to be pathogenic (PMID: 18712838, 21031596). This variant is present in population databases (rs267608194, gnomAD 0.0009%). This premature translational stop signal has been observed in individual(s) with Zellweger syndrome (PMID: 18712838). ClinVar contains an entry for this variant (Variation ID: 2137295). For these reasons, this variant has been classified as Pathogenic.

Laboratory for Molecular Medicine, Mass General Brigham Personalized Medicine
Classification: Likely pathogenic for Zellweger spectrum disorders. Last evaluated: 2023-10-23. Review status: criteria provided, single submitter. Criteria: ACMG Guidelines, 2015. Collection method: clinical testing. Allele origin: germline. Inheritance: Autosomal recessive inheritance.
Comment: The p.Arg276X variant in PEX5 has been identified in the homozygous state in 1 individual with clinical features of Zellweger spectrum disorder (Ebberink 2009 PMID: 18712838). This variant has also been reported by other clinical laboratories in ClinVar (Variation ID 2137295) and was absent from large population studies (gnomAD, v.3.1.2).This nonsense variant leads to a premature termination codon at position 276, which is predicted to lead to a truncated or absent protein. Biallelic loss of function of the PEX5 gene is an established disease mechanism in autosomal recessive Zellweger spectrum disorder. In summary, although additional studies are required to fully establish its clinical significance, this variant meets criteria to be classified as likely pathogenic for autosomal recessive Zellweger spectrum disorder. ACMG/AMP Criteria applied: PVS1, PM2_Supporting.

Literature cited by the submitters: PubMed 18712838 (cited by Labcorp Genetics (formerly Invitae), Labcorp and Laboratory for Molecular Medicine, Mass General Brigham Personalized Medicine); PubMed 21031596 (cited by Labcorp Genetics (formerly Invitae), Labcorp).

NM_001351132.2(PEX5):c.826C>T (p.Arg276Ter)

Gene: PEX5 (peroxisomal biogenesis factor 5; plus strand). Cytogenetic location: 12p13.31.
Variant type: single nucleotide variant.
Coding change: c.826C>T on transcript NM_001351132.2 (MANE Select); coding-DNA position 826, C replaced by T.
Protein change: p.Arg276Ter; replaces arginine 276 with a stop codon.
Molecular consequence: nonsense.
Genome position (GRCh38, 1-based): chr12:7,202,684, C>T. VCF-style: chr12-7202684-C-T. GRCh37 (hg19) VCF-style: chr12-7355280-C-T.
Other names: c.715C>T, p.Arg239Ter (NM_001351139.2, NM_001351140.2, NM_001374645.1 and 10 more transcripts); c.826C>T, p.Arg276Ter (NM_001374647.2, NM_000319.5, NM_001131025.2 and 6 more transcripts); c.871C>T, p.Arg291Ter (NM_001131023.2); c.760C>T, p.Arg254Ter (NM_001351135.3, NM_001351138.2); short protein forms R254*, R276*, R291*, R239*.
Identifiers: ClinVar variation 2137295 (VCV002137295.5), dbSNP rs267608194, ClinGen allele CA6426284.
Genomic context (GRCh38, chr12:7,202,684, plus strand): 5'-GCCTGGGTTGACCAGTTCACAAGACCAGTAAACACATCTGCCCTTGATATGGAGTTTGAA[C>T]GAGCCAAGTCAGCTATAGAGGTGAGAGCAGATAGTGCAGGAGCAGACACCCCAAAAGAAA-3'